The following is an entry in ClinVar:

ClinVar aggregate classification (germline): Uncertain significance (1 of 4 stars; one submission).

gnomAD v4.1: 15 of 1,570,522 alleles (0.00096%); highest among the groups gnomAD compares: Middle Eastern, 0.033%; 1 homozygote.

Submission:

CeGaT Center for Human Genetics Tuebingen
Classification: Uncertain significance. Last evaluated: 2023-05-01. Review status: criteria provided, single submitter. Criteria: CeGaT Center For Human Genetics Tuebingen Variant Classification Criteria Version 2. Collection method: clinical testing. Allele origin: germline. Affected: yes. Observed: 1 variant allele.
Comment: DPP6: PM2, BP4

NM_130797.4(DPP6):c.627+20824C>T

Gene: DPP6 (dipeptidyl peptidase like 6; plus strand). Cytogenetic location: 7q36.2.
Variant type: single nucleotide variant.
Coding change: c.627+20824C>T on transcript NM_130797.4 (MANE Select); 20824 bases into the intron after coding-DNA position 627, C replaced by T.
Molecular consequence: genic downstream transcript variant. On other transcripts: missense variant (1), 3 prime UTR variant (1).
Genome position (GRCh38, 1-based): chr7:154,587,740, C>T. VCF-style: chr7-154587740-C-T. GRCh37 (hg19) VCF-style: chr7-154379450-C-T.
Other names: c.444+20824C>T (NM_001364497.2, NM_001364498.2, NM_001364500.2 and 1 more transcripts); c.435+20824C>T (NM_001364501.2, NM_001039350.3); c.441+20824C>T (NM_001936.5, NM_001290252.2); c.718C>T, p.His240Tyr (NM_001290253.2); c.*566C>T (NM_001364502.2); short protein forms H240Y.
Identifiers: ClinVar variation 2658255 (VCV002658255.24), dbSNP rs867753430, ClinGen allele CA169695900.
Genomic context (GRCh38, chr7:154,587,740, plus strand): 5'-TTGCCTCATTCAAAATCATGTGACTCATTAGCAGTAAGTCAAGCCTGTAGCCCAGCTTGT[C>T]ACCAGGGCTGTTTTCTTCATTACATCACCATGTCTCTTCCTCTTCACTGCCTGCGTGACT-3'